The following is an entry in ClinVar:

ClinVar aggregate classification (germline): Pathogenic. Review status: criteria provided, multiple submitters, no conflicts (2 of 4 stars). 2 submissions from 2 submitters: Pathogenic (2). Last evaluated 2023-08-30.

Conditions:
Familial adenomatous polyposis 1 (FAP1). Also called: FAMILIAL ADENOMATOUS POLYPOSIS 1, ATTENUATED; POLYPOSIS, ADENOMATOUS INTESTINAL. Identifiers: MedGen C2713442, MONDO:0021056, OMIM 175100. Disease mechanism: loss of function.

Submissions (2):

Labcorp Genetics (formerly Invitae), Labcorp
Classification: Pathogenic for Familial adenomatous polyposis 1. Last evaluated: 2023-08-30. Review status: criteria provided, single submitter. Criteria: Invitae Variant Classification Sherloc (09022015). Collection method: clinical testing. Allele origin: germline.
Comment: This sequence change creates a premature translational stop signal (p.Lys1061Asnfs*65) in the APC gene. While this is not anticipated to result in nonsense mediated decay, it is expected to disrupt the last 1783 amino acid(s) of the APC protein. This variant is not present in population databases (gnomAD no frequency). This premature translational stop signal has been observed in individual(s) with familial adenomatous polyposis (PMID: 19029688). This variant disrupts a region of the APC protein in which other variant(s) (p.Tyr2645Lysfs*14) have been determined to be pathogenic (PMID: 8381579, 22135120, 27081525; Invitae). This suggests that this is a clinically significant region of the protein, and that variants that disrupt it are likely to be disease-causing. For these reasons, this variant has been classified as Pathogenic.

Myriad Genetics, Inc.
Classification: Pathogenic for Familial adenomatous polyposis 1. Last evaluated: 2023-05-05. Review status: criteria provided, single submitter. Criteria: Myriad Autosomal Dominant, Autosomal Recessive and X-Linked Classification Criteria (2023). Collection method: clinical testing. Allele origin: unknown.
Comment: This variant is considered pathogenic. This variant creates a frameshift predicted to result in premature protein truncation.

Literature cited by the submitters: PubMed 19029688 (cited by Labcorp Genetics (formerly Invitae), Labcorp); PubMed 8381579 (cited by Labcorp Genetics (formerly Invitae), Labcorp); PubMed 22135120 (cited by Labcorp Genetics (formerly Invitae), Labcorp); PubMed 27081525 (cited by Labcorp Genetics (formerly Invitae), Labcorp).

NM_000038.6(APC):c.3183del (p.Lys1061fs)

Gene: APC (APC regulator of Wnt signaling pathway; plus strand). Cytogenetic location: 5q22.2.
Variant type: Deletion.
Coding change: c.3183del on transcript NM_000038.6 (MANE Select); coding-DNA position 3183, one base deleted (A; older notation c.3183delA).
Protein change: p.Lys1061fs; shifts the reading frame from lysine 1061.
Molecular consequence: frameshift variant. On other transcripts: non-coding transcript variant (2).
Genome position (GRCh38, 1-based): chr5:112,838,777, A deleted; the last of 4 consecutive A bases (chr5:112,838,774-112,838,777); deleting any one gives the same sequence. VCF-style (leftmost placement, unchanged base first): chr5-112838773-TA-T. GRCh37 (hg19) VCF-style: chr5-112174470-TA-T.
Other names: c.3183del, p.Lys1061fs (NM_001127510.3, NM_001354895.2, NM_001407450.1); c.3129del, p.Lys1043fs (NM_001127511.3); c.3237del, p.Lys1079fs (NM_001354896.2, NM_001407447.1, NM_001407448.1 and 1 more transcripts); c.3213del, p.Lys1071fs (NM_001354897.2); c.3108del, p.Lys1036fs (NM_001354898.2); c.3099del, p.Lys1033fs (NM_001354899.2); c.3060del, p.Lys1020fs (NM_001354900.2); c.3006del, p.Lys1002fs (NM_001354901.2, NM_001407453.1); and 11 more; short protein forms K1002fs, K1020fs, K1033fs, K1036fs, K1043fs, K1051fs, K1054fs, K1061fs.
Identifiers: ClinVar variation 2584042 (VCV002584042.4), dbSNP rs1114167582, ClinGen allele CA658760884.